The following is an entry in ClinVar:

NM_000383.4(AIRE):c.1158C>G (p.Ala386=)

Gene: AIRE (autoimmune regulator; plus strand). Cytogenetic location: 21q22.3.
Variant type: single nucleotide variant.
Coding change: c.1158C>G on transcript NM_000383.4 (MANE Select); coding-DNA position 1158, C replaced by G.
Protein change: p.Ala386=; no amino-acid change (alanine 386 retained).
Molecular consequence: synonymous variant.
Genome position (GRCh38, 1-based): chr21:44,293,055, C>G. VCF-style: chr21-44293055-C-G. GRCh37 (hg19) VCF-style: chr21-45712938-C-G.
Identifiers: ClinVar variation 1142519 (VCV001142519.11), dbSNP rs199555518, ClinGen allele CA512491706.
Genomic context (GRCh38, chr21:44,293,055, plus strand): 5'-CCCCCCGGGGCTTAGGTCGGCGGGAGAGGAGGTAAGAGGTCCACCTGGGGAACCCCTAGC[C>G]GGCATGGACACGACTCTTGTCTACAAGCACCTGCCGGCTCCGCCTTCTGCAGCCCCGCTG-3'
Protein context (NP_000374.1, residues 376-396): EVRGPPGEPL[Ala386=]GMDTTLVYKH

ClinVar aggregate classification (germline): Likely benign. Review status: criteria provided, multiple submitters, no conflicts (2 of 4 stars). 2 submissions from 2 submitters: Likely benign (2). Last evaluated 2026-06-01.

Conditions:
Polyglandular autoimmune syndrome, type 1 (APS1). Also called: Autoimmune polyendocrinopathy syndrome, type I; Whitaker syndrome; AUTOIMMUNE POLYENDOCRINE SYNDROME, TYPE I, WITH OR WITHOUT REVERSIBLE METAPHYSEAL DYSPLASIA; APS I; Autoimmune polyendocrinopathy syndrome , type I, with or without reversible metaphyseal dysplasia; HYPOADRENOCORTICISM WITH HYPOPARATHYROIDISM AND SUPERFICIAL MONILIASIS. Identifiers: Orphanet 3453, MedGen C0085859, MONDO:0009411, OMIM 240300.

gnomAD v4.1: 2 of 1,612,540 alleles (0.00012%); highest among the groups gnomAD compares: Non-Finnish European, 0.00017%; no homozygotes.

Submissions (2):

CeGaT Center for Human Genetics Tuebingen
Classification: Likely benign. Last evaluated: 2026-06-01. Review status: criteria provided, single submitter. Criteria: CeGaT Center For Human Genetics Tuebingen Variant Classification Criteria Version 2. Collection method: clinical testing. Allele origin: germline. Affected: yes. Observed: 1 variant allele.
Comment: AIRE: BP4, BP7

Labcorp Genetics (formerly Invitae), Labcorp
Classification: Likely benign for Polyglandular autoimmune syndrome, type 1. Last evaluated: 2020-08-20. Review status: criteria provided, single submitter. Criteria: Invitae Variant Classification Sherloc (09022015). Collection method: clinical testing. Allele origin: germline.